The following is an entry in ClinVar:

NM_002458.3(MUC5B):c.7841C>T (p.Thr2614Met)

Genes: MUC5B (mucin 5B, oligomeric mucus/gel-forming; plus strand), MUC5B-AS1 (MUC5B antisense RNA 1; minus strand). Cytogenetic location: 11p15.5.
Variant type: single nucleotide variant.
Coding change: c.7841C>T on transcript NM_002458.3 (MANE Select); coding-DNA position 7841, C replaced by T.
Protein change: p.Thr2614Met; replaces threonine 2614 with methionine.
Molecular consequence: missense variant.
Genome position (GRCh38, 1-based): chr11:1,244,721, C>T. VCF-style: chr11-1244721-C-T. GRCh37 (hg19) VCF-style: chr11-1265951-C-T.
Other names: short protein forms T2614M.
Identifiers: ClinVar variation 3387969 (VCV003387969.15).

ClinVar aggregate classification (germline): Likely benign. Review status: criteria provided, multiple submitters, no conflicts (2 of 4 stars). 2 submissions from 2 submitters: Likely benign (2). Last evaluated 2025-04-01.

Submissions (2):

CeGaT Center for Human Genetics Tuebingen
Classification: Likely benign. Last evaluated: 2025-04-01. Review status: criteria provided, single submitter. Criteria: CeGaT Center For Human Genetics Tuebingen Variant Classification Criteria Version 2. Collection method: clinical testing. Allele origin: germline. Affected: yes. Observed: 5 variant alleles.
Comment: MUC5B: BP4, BS1

Blueprint Genetics
Classification: Likely benign. Last evaluated: 2024-11-25. Review status: criteria provided, single submitter. Criteria: ACMG Guidelines, 2015. Collection method: clinical testing. Allele origin: germline.